The following is an entry in ClinVar:

NM_015450.3(POT1):c.1267A>G (p.Ile423Val)

Gene: POT1 (protection of telomeres 1; minus strand). Cytogenetic location: 7q31.33.
Variant type: single nucleotide variant.
Coding change: c.1267A>G on transcript NM_015450.3 (MANE Select); coding-DNA position 1267, A replaced by G.
Protein change: p.Ile423Val; replaces isoleucine 423 with valine.
Molecular consequence: missense variant. On other transcripts: non-coding transcript variant (3).
Genome position (GRCh38, 1-based): chr7:124,841,075, T>C on the plus strand (A>G on the coding strand, the complement: POT1 is on the minus strand). VCF-style: chr7-124841075-T-C. GRCh37 (hg19) VCF-style: chr7-124481129-T-C.
Other names: c.874A>G, p.Ile292Val (NM_001042594.2); short protein forms I292V, I423V.
Identifiers: ClinVar variation 2505616 (VCV002505616.5), dbSNP rs2485394827, ClinGen allele CA369067273.
Genomic context (GRCh38, chr7:124,841,075, plus strand): 5'-CATTATTTTTCACAAAATGAACTGCTACTTTTCGTCCTTTTTGATTTTTAGTGGTCCAGA[T>C]TTTTGAATCATATAATGATGTATTTTGTAGCTTGACATCTGGGGTTTTAGTTGCACCATC-3'
Protein context (NP_056265.2, residues 413-433): LQNTSLYDSK[Ile423Val]WTTKNQKGRK

ClinVar aggregate classification (germline): Conflicting classifications of pathogenicity. Review status: criteria provided, conflicting classifications (1 of 4 stars). 3 submissions from 3 submitters: Uncertain significance (2); Likely benign (1). Last evaluated 2024-07-30.

Conditions:
Tumor predisposition syndrome 3 (TPDS3). Also called: Glioma susceptibility 9; LONG TELOMERE SYNDROME, POT1-RELATED; POT1 Tumor Predisposition; Melanoma, cutaneous malignant, susceptibility to, 10. Identifiers: Orphanet 618, MedGen C4014476, MONDO:0014368, OMIM 615848.
Hereditary cancer-predisposing syndrome. Also called: Hereditary neoplastic syndrome; Hereditary Cancer Syndrome; Tumor predisposition; Neoplastic Syndromes, Hereditary. Identifiers: Orphanet 140162, MedGen C0027672, MeSH D009386, MONDO:0015356.

Allele frequency attached by ClinVar (database versions not stated): gnomAD exomes below 0.00001.
gnomAD v4.1: 1 of 1,612,672 alleles (0.000062%); highest among the groups gnomAD compares: Admixed American, 0.0017%; no homozygotes.

Submissions (3):

Labcorp Genetics (formerly Invitae), Labcorp
Classification: Uncertain significance for Tumor predisposition syndrome 3. Last evaluated: 2024-07-30. Review status: criteria provided, single submitter. Criteria: Invitae Variant Classification Sherloc (09022015). Collection method: clinical testing. Allele origin: germline.
Comment: This sequence change replaces isoleucine, which is neutral and non-polar, with valine, which is neutral and non-polar, at codon 423 of the POT1 protein (p.Ile423Val). This variant is not present in population databases (gnomAD no frequency). This variant has not been reported in the literature in individuals affected with POT1-related conditions. ClinVar contains an entry for this variant (Variation ID: 2505616). Advanced modeling of protein sequence and biophysical properties (such as structural, functional, and spatial information, amino acid conservation, physicochemical variation, residue mobility, and thermodynamic stability) performed at Invitae indicates that this missense variant is not expected to disrupt POT1 protein function with a negative predictive value of 80%. In summary, the available evidence is currently insufficient to determine the role of this variant in disease. Therefore, it has been classified as a Variant of Uncertain Significance.

Ambry Genetics
Classification: Likely benign for Hereditary cancer-predisposing syndrome. Last evaluated: 2023-04-20. Review status: criteria provided, single submitter. Criteria: Ambry Variant Classification Scheme 2023. Collection method: clinical testing. Allele origin: germline.

GeneDx
Classification: Uncertain significance. Last evaluated: 2022-12-18. Review status: criteria provided, single submitter. Criteria: GeneDx Variant Classification Process June 2021. Collection method: clinical testing. Allele origin: germline. Affected: yes.
Comment: Not observed at significant frequency in large population cohorts (gnomAD); In silico analysis supports that this missense variant does not alter protein structure/function; Has not been previously published as pathogenic or benign to our knowledge; This variant is associated with the following publications: (PMID: 28393830)